The following is an entry in ClinVar:

ClinVar aggregate classification (germline): Uncertain significance (1 of 4 stars; one submission).

Conditions:
Early Myoclonic Encephalopathy. Identifiers: MedGen C0270855.

Allele frequency attached by ClinVar (database versions not stated): ExAC 0.00005; ESP Exome Variant Server 0.00008; TOPMed 0.00005; gnomAD exomes 0.00006.
gnomAD v4.1: 86 of 1,613,976 alleles (0.0053%); highest among the groups gnomAD compares: Non-Finnish European, 0.007%; no homozygotes.

Submission:

Labcorp Genetics (formerly Invitae), Labcorp
Classification: Uncertain significance for Early Myoclonic Encephalopathy. Last evaluated: 2025-03-10. Review status: criteria provided, single submitter. Criteria: Invitae Variant Classification Sherloc (09022015). Collection method: clinical testing. Allele origin: germline.
Comment: This sequence change replaces serine, which is neutral and polar, with cysteine, which is neutral and slightly polar, at codon 1982 of the JMJD1C protein (p.Ser1982Cys). This variant is present in population databases (rs371819371, gnomAD 0.01%). This variant has not been reported in the literature in individuals affected with JMJD1C-related conditions. ClinVar contains an entry for this variant (Variation ID: 567767). Invitae Evidence Modeling of protein sequence and biophysical properties (such as structural, functional, and spatial information, amino acid conservation, physicochemical variation, residue mobility, and thermodynamic stability) indicates that this missense variant is expected to disrupt JMJD1C protein function with a positive predictive value of 80%. In summary, the available evidence is currently insufficient to determine the role of this variant in disease. Therefore, it has been classified as a Variant of Uncertain Significance.

NM_032776.3(JMJD1C):c.5945C>G (p.Ser1982Cys)

Gene: JMJD1C (jumonji domain containing 1C; minus strand). Cytogenetic location: 10q21.3.
Variant type: single nucleotide variant.
Coding change: c.5945C>G on transcript NM_032776.3 (MANE Select); coding-DNA position 5945, C replaced by G.
Protein change: p.Ser1982Cys; replaces serine 1982 with cysteine.
Molecular consequence: missense variant. On other transcripts: non-coding transcript variant (1).
Genome position (GRCh38, 1-based): chr10:63,193,069, G>C on the plus strand (C>G on the coding strand, the complement: JMJD1C is on the minus strand). VCF-style: chr10-63193069-G-C. GRCh37 (hg19) VCF-style: chr10-64952829-G-C.
Other names: c.5399C>G, p.Ser1800Cys (NM_001282948.2, NM_001318154.2); c.5081C>G, p.Ser1694Cys (NM_001318153.2); c.5831C>G, p.Ser1944Cys (NM_001322252.2); c.5288C>G, p.Ser1763Cys (NM_001322254.2, NM_001322258.2); short protein forms S1982C, S1800C, S1694C, S1763C, S1944C.
Identifiers: ClinVar variation 567767 (VCV000567767.8), dbSNP rs371819371, ClinGen allele CA5517986.